The following is an entry in ClinVar:

NM_000051.4(ATM):c.724A>T (p.Thr242Ser)

Gene: ATM (ATM serine/threonine kinase; plus strand). Cytogenetic location: 11q22.3.
Variant type: single nucleotide variant.
Coding change: c.724A>T on transcript NM_000051.4 (MANE Select); coding-DNA position 724, A replaced by T.
Protein change: p.Thr242Ser; replaces threonine 242 with serine.
Molecular consequence: missense variant.
Genome position (GRCh38, 1-based): chr11:108,244,849, A>T. VCF-style: chr11-108244849-A-T. GRCh37 (hg19) VCF-style: chr11-108115576-A-T.
Other names: c.724A>T, p.Thr242Ser (NM_001351834.2); short protein forms T242S.
Identifiers: ClinVar variation 1692940 (VCV001692940.3), dbSNP rs1555067068, ClinGen allele CA382529220.

ClinVar aggregate classification (germline): Uncertain significance. Review status: criteria provided, multiple submitters, no conflicts (2 of 4 stars). 2 submissions from 2 submitters: Uncertain significance (2). Last evaluated 2024-05-18.

Conditions:
Ataxia-telangiectasia syndrome (AT). Also called: Ataxia telangiectasia (A-T); Ataxia-telangiectasia, complementation group D; ATAXIA-TELANGIECTASIA, COMPLEMENTATION GROUP A; ATAXIA-TELANGIECTASIA, FRESNO VARIANT; Cerebello-oculocutaneous telangiectasia; Immunodeficiency with ataxia telangiectasia. Identifiers: Orphanet 100, MedGen C0004135, MONDO:0008840, OMIM 208900.
Hereditary cancer-predisposing syndrome. Also called: Neoplastic Syndromes, Hereditary; Hereditary Cancer Syndrome; Tumor predisposition; Hereditary neoplastic syndrome. Identifiers: Orphanet 140162, MedGen C0027672, MeSH D009386, MONDO:0015356.

Submissions (2):

Labcorp Genetics (formerly Invitae), Labcorp
Classification: Uncertain significance for Ataxia-telangiectasia syndrome. Last evaluated: 2024-05-18. Review status: criteria provided, single submitter. Criteria: Invitae Variant Classification Sherloc (09022015). Collection method: clinical testing. Allele origin: germline.
Comment: This sequence change replaces threonine, which is neutral and polar, with serine, which is neutral and polar, at codon 242 of the ATM protein (p.Thr242Ser). This variant is not present in population databases (gnomAD no frequency). This variant has not been reported in the literature in individuals affected with ATM-related conditions. ClinVar contains an entry for this variant (Variation ID: 1692940). Algorithms developed to predict the effect of missense changes on protein structure and function output the following: SIFT: "Not Available"; PolyPhen-2: "Benign"; Align-GVGD: "Not Available". The serine amino acid residue is found in multiple mammalian species, which suggests that this missense change does not adversely affect protein function. In summary, the available evidence is currently insufficient to determine the role of this variant in disease. Therefore, it has been classified as a Variant of Uncertain Significance.

Sema4
Classification: Uncertain significance for Hereditary cancer-predisposing syndrome. Last evaluated: 2022-03-10. Review status: criteria provided, single submitter. Criteria: Sema4 Curation Guidelines. Collection method: curation. Allele origin: germline.
Comment: The ATM c.724A>T(p.T242S) variant has not been reported in the literature to our knowledge. This variant is not reported in the large and broad cohorts of the population database Genome Aggregation Database (PMID 32461654). The variant has not been reported in ClinVar. In silico tools suggest the impact of the variant on protein function is benign, though these predictions have not been confirmed by functional studies. The evidence is insufficient to meet ACMG/AMP criteria for classifying the variant as benign or pathogenic. Thus, the clinical significance of this variant is currently uncertain.